The following is an entry in ClinVar:

NM_002834.5(PTPN11):c.1092+9C>T

Gene: PTPN11 (protein tyrosine phosphatase non-receptor type 11; plus strand). Cytogenetic location: 12q24.13.
Variant type: single nucleotide variant.
Coding change: c.1092+9C>T on transcript NM_002834.5 (MANE Select); 9 bases into the intron after coding-DNA position 1092, C replaced by T.
Molecular consequence: intron variant.
Genome position (GRCh38, 1-based): chr12:112,478,024, C>T. VCF-style: chr12-112478024-C-T. GRCh37 (hg19) VCF-style: chr12-112915828-C-T.
Other names: c.1092+9C>T (NM_001330437.2, NM_080601.3, NM_002834.4); c.1089+9C>T (NM_001374625.1).
Identifiers: ClinVar variation 1615955 (VCV001615955.9), dbSNP rs374768093, ClinGen allele CA6798707.

ClinVar aggregate classification (germline): Likely benign. Review status: criteria provided, multiple submitters, no conflicts (2 of 4 stars). 2 submissions from 2 submitters: Likely benign (2). Last evaluated 2026-05-09.

Conditions:
PTPN11-related disorder. Also called: PTPN11-Related Disorders.
RASopathy. Also called: Noonan spectrum disorder; rasopathies. Identifiers: Orphanet 536391, MedGen C5555857, MONDO:0021060.

Allele frequency attached by ClinVar (database versions not stated): gnomAD 0.00003 and 0.00002; ESP Exome Variant Server 0.00015; gnomAD exomes below 0.00001 and 0.00001; ExAC 0.00002; TOPMed 0.00002.
gnomAD v4.1: 11 of 1,613,768 alleles (0.00068%); highest among the groups gnomAD compares: African/African-American, 0.0067%; no homozygotes.

Submissions (2):

PreventionGenetics, part of Exact Sciences
Classification: Likely benign for PTPN11-related condition. Last evaluated: 2026-05-09. Review status: criteria provided, single submitter. Criteria: ACMG Guidelines, 2015. Collection method: clinical testing. Allele origin: germline.
Comment: This variant is classified as likely benign based on ACMG/AMP sequence variant interpretation guidelines (Richards et al. 2015 PMID: 25741868, with internal and published modifications).

Labcorp Genetics (formerly Invitae), Labcorp
Classification: Likely benign for RASopathy. Last evaluated: 2025-11-01. Review status: criteria provided, single submitter. Criteria: Invitae Variant Classification Sherloc (09022015). Collection method: clinical testing. Allele origin: germline.